The following is an entry in ClinVar:

NM_002529.4(NTRK1):c.505G>A (p.Gly169Arg)

Gene: NTRK1 (neurotrophic receptor tyrosine kinase 1; plus strand). Cytogenetic location: 1q23.1.
Variant type: single nucleotide variant.
Coding change: c.505G>A on transcript NM_002529.4 (MANE Select); coding-DNA position 505, G replaced by A.
Protein change: p.Gly169Arg; replaces glycine 169 with arginine.
Molecular consequence: missense variant.
Genome position (GRCh38, 1-based): chr1:156,868,180, G>A. VCF-style: chr1-156868180-G-A. GRCh37 (hg19) VCF-style: chr1-156837972-G-A.
Other names: c.505G>A (NM_002529.3); c.415G>A, p.Gly139Arg (NM_001007792.1); c.505G>A, p.Gly169Arg (NM_001012331.2); short protein forms G139R, G169R.
Identifiers: ClinVar variation 246246 (VCV000246246.61), dbSNP rs367836863, ClinGen allele CA1169003.

ClinVar aggregate classification (germline): Benign/Likely benign. Review status: criteria provided, multiple submitters, no conflicts (2 of 4 stars). 9 submissions from 9 submitters: Benign (1); Likely benign (7). 1 of the submissions does not count toward it. Last evaluated 2026-02-01.

Conditions:
NTRK1-related disorder. Also called: NTRK1-related condition.
Inborn genetic diseases. Identifiers: MedGen C0950123, MeSH D030342.
Hereditary insensitivity to pain with anhidrosis (CIPA). Also called: hereditary sensory and autonomic neuropathy type 4; INSENSITIVITY TO PAIN, CONGENITAL, WITH ANHIDROSIS; FAMILIAL DYSAUTONOMIA, TYPE II; NEUROPATHY, CONGENITAL SENSORY, WITH ANHIDROSIS; HSAN Type IV; NTRK1 Congenital Insensitivity to Pain with Anhidrosis. Identifiers: Orphanet 642, MedGen C0020074, MONDO:0009746, OMIM 256800.
Intellectual disability. Also called: Intellectual developmental disorder; Intellectual functioning disability; intellectual disabilities. Identifiers: MedGen C3714756, MeSH D008607, MONDO:0001071, HP:0001249.

Allele frequency attached by ClinVar (database versions not stated): TOPMed 0.00017; ESP Exome Variant Server 0.00023; gnomAD 0.00030 and 0.00044; gnomAD exomes 0.00052 and 0.00081; 1000 Genomes Project 0.00060; 1000 Genomes Project 30x 0.00078; ExAC 0.00081.
gnomAD v4.1: 830 of 1,613,722 alleles (0.051%); highest among the groups gnomAD compares: South Asian, 0.44%; 4 homozygotes.

Submissions (9):

CeGaT Center for Human Genetics Tuebingen
Classification: Likely benign. Last evaluated: 2026-02-01. Review status: criteria provided, single submitter. Criteria: CeGaT Center For Human Genetics Tuebingen Variant Classification Criteria Version 2. Collection method: clinical testing. Allele origin: germline. Affected: yes. Observed: 5 variant alleles.
Comment: NTRK1: BP4, BS2

Labcorp Genetics (formerly Invitae), Labcorp
Classification: Likely benign for Hereditary insensitivity to pain with anhidrosis. Last evaluated: 2026-01-27. Review status: criteria provided, single submitter. Criteria: Invitae Variant Classification Sherloc (09022015). Collection method: clinical testing. Allele origin: germline.

PreventionGenetics, part of Exact Sciences
Classification: Likely benign for NTRK1-related condition. Last evaluated: 2025-08-05. Review status: criteria provided, single submitter. Criteria: ACMG Guidelines, 2015. Collection method: clinical testing. Allele origin: germline.
Comment: This variant is classified as likely benign based on ACMG/AMP sequence variant interpretation guidelines (Richards et al. 2015 PMID: 25741868, with internal and published modifications).

Genome-Nilou Lab
Classification: Likely benign for Hereditary insensitivity to pain with anhidrosis. Last evaluated: 2023-04-11. Review status: criteria provided, single submitter. Criteria: ACMG Guidelines, 2015. Collection method: clinical testing. Allele origin: germline. Affected: no.

GeneDx
Classification: Likely benign. Last evaluated: 2021-05-27. Review status: criteria provided, single submitter. Criteria: GeneDx Variant Classification Process June 2021. Collection method: clinical testing. Allele origin: germline. Affected: yes.
Comment: This variant is associated with the following publications: (PMID: 32707200, 20003389)

Ambry Genetics
Classification: Likely benign for Inborn genetic diseases. Last evaluated: 2021-01-11. Review status: criteria provided, single submitter. Criteria: Ambry Variant Classification Scheme 2023. Collection method: clinical testing. Allele origin: germline.

Cambridge Genomics Laboratory, East Genomic Laboratory Hub, NHS Genomic Medicine Service
Classification: Benign for Intellectual disability. Last evaluated: 2019-08-08. Review status: criteria provided, single submitter. Criteria: ACGS Best Practice Guidelines for Variant Classification in Rare Disease 2020. Collection method: clinical testing. Allele origin: germline. Affected: yes. Observed: 1 variant allele.

Illumina Laboratory Services, Illumina
Classification: Likely benign for Hereditary insensitivity to pain with anhidrosis. Last evaluated: 2018-01-12. Review status: criteria provided, single submitter. Criteria: ICSL Variant Classification Criteria 13 December 2019. Collection method: clinical testing. Allele origin: germline.
Comment: This variant was observed in the ICSL laboratory as part of a predisposition screen in an ostensibly healthy population. It had not been previously curated by ICSL or reported in the Human Gene Mutation Database (HGMD: prior to June 1st, 2018), and was therefore a candidate for classification through an automated scoring system. Utilizing variant allele frequency, disease prevalence and penetrance estimates, and inheritance mode, an automated score was calculated to assess if this variant is too frequent to cause the disease. Based on the score and internal cut-off values, a variant classified as likely benign is not then subjected to further curation. The score for this variant resulted in a classification of likely benign for this disease.

Natera, Inc.
Classification: Likely benign for Hereditary insensitivity to pain with anhidrosis. Last evaluated: 2020-08-05. Review status: no assertion criteria provided. Collection method: clinical testing. Allele origin: germline. Not counted in ClinVar's aggregate classification.